The following is an entry in ClinVar:

NM_001003694.2(BRPF1):c.2621A>G (p.Gln874Arg)

Gene: BRPF1 (bromodomain and PHD finger containing 1; plus strand). Cytogenetic location: 3p25.3.
Variant type: single nucleotide variant.
Coding change: c.2621A>G on transcript NM_001003694.2 (MANE Select); coding-DNA position 2621, A replaced by G.
Protein change: p.Gln874Arg; replaces glutamine 874 with arginine.
Molecular consequence: missense variant. On other transcripts: non-coding transcript variant (1).
Genome position (GRCh38, 1-based): chr3:9,743,887, A>G. VCF-style: chr3-9743887-A-G. GRCh37 (hg19) VCF-style: chr3-9785571-A-G.
Other names: c.2603A>G, p.Gln868Arg (NM_001319049.2, NM_001437892.1, NM_004634.3); c.2600A>G, p.Gln867Arg (NM_001319050.2, NM_001438342.1, NM_001438343.1 and 1 more transcripts); c.2618A>G, p.Gln873Arg (NM_001410704.1, NM_001438345.1); c.2621A>G, p.Gln874Arg (NM_001438344.1); short protein forms Q867R, Q873R, Q868R, Q874R.
Identifiers: ClinVar variation 5009927 (VCV005009927.1).
Genomic context (GRCh38, chr3:9,743,887, plus strand): 5'-ACCCGGCAGCCTGTGACAAGGATGGGCAGACAGATAGTGCGGCAGAGGAGAGCAGCAGCC[A>G]GGAGACAAGCAAAGGTCTGAATCCCATGGCAAGGTGGACCCCAAAGCAAGTCAGACTTTG-3'
Protein context (NP_001003694.1, residues 864-884): TDSAAEESSS[Gln874Arg]ETSKGLGPNM

ClinVar aggregate classification (germline): Uncertain significance (1 of 4 stars; one submission).

Submission:

GeneDx
Classification: Uncertain significance. Last evaluated: 2026-03-03. Review status: criteria provided, single submitter. Criteria: GeneDx Variant Classification Process June 2021. Collection method: clinical testing. Allele origin: germline.
Comment: Not observed at significant frequency in large population cohorts (gnomAD); In silico analysis suggests that this missense variant does not alter protein structure/function; Has not been previously published as pathogenic or benign to our knowledge